The following is an entry in ClinVar:

NM_001972.4(ELANE):c.344T>C (p.Leu115Pro)

Gene: ELANE (elastase, neutrophil expressed; plus strand). Cytogenetic location: 19p13.3.
Variant type: single nucleotide variant.
Coding change: c.344T>C on transcript NM_001972.4 (MANE Select); coding-DNA position 344, T replaced by C.
Protein change: p.Leu115Pro; replaces leucine 115 with proline.
Molecular consequence: missense variant.
Genome position (GRCh38, 1-based): chr19:853,381, T>C. VCF-style: chr19-853381-T-C. GRCh37 (hg19) VCF-style: chr19-853381-T-C.
Other names: short protein forms L115P.
Identifiers: ClinVar variation 5035898 (VCV005035898.1).
Genomic context (GRCh38, chr19:853,381, plus strand): 5'-CCCGGCAGGTGTTCGCCGTGCAGCGCATCTTCGAAAACGGCTACGACCCCGTAAACTTGC[T>C]CAACGACATCGTGATTCTCCAGGTGCCGCCGGGCGGGGCGGGGGGCGCAGGGGCGGAGGC-3'
Protein context (NP_001963.1, residues 105-125): FENGYDPVNL[Leu115Pro]NDIVILQLNG

ClinVar aggregate classification (germline): Uncertain significance (1 of 4 stars; one submission).

Conditions:
Inborn genetic diseases. Identifiers: MedGen C0950123, MeSH D030342.

gnomAD v4.1: 1 of 1,610,308 alleles (0.000062%); highest among the groups gnomAD compares: East Asian, 0.0022%; no homozygotes.

Submission:

Ambry Genetics
Classification: Uncertain significance for Inborn genetic diseases. Last evaluated: 2026-08-10. Review status: criteria provided, single submitter. Criteria: Ambry Variant Classification Scheme 2023. Collection method: clinical testing. Allele origin: germline.
Comment: The p.L115P variant (also known as c.344T>C), located in coding exon 3 of the ELANE gene, results from a T to C substitution at nucleotide position 344. The leucine at codon 115 is replaced by proline, an amino acid with similar properties. This amino acid position is conserved. In addition, this alteration is predicted to be tolerated by in silico analysis. Based on the available evidence, the clinical significance of this variant remains unclear.